The following is an entry in ClinVar:

ClinVar aggregate classification (germline): Likely benign (0 of 4 stars; one submission).

Conditions:
ABCB11-related disorder. Also called: ABCB11-related condition.

Allele frequency attached by ClinVar (database versions not stated): gnomAD 0.00001; gnomAD exomes 0.00001; TOPMed 0.00001.
gnomAD v4.1: 11 of 1,613,850 alleles (0.00068%); highest among the groups gnomAD compares: Non-Finnish European, 0.00093%; no homozygotes.

Submission:

PreventionGenetics, part of Exact Sciences
Classification: Likely benign for ABCB11-related condition. Last evaluated: 2023-04-05. Review status: no assertion criteria provided. Collection method: clinical testing. Allele origin: germline.
Comment: This variant is classified as likely benign based on ACMG/AMP sequence variant interpretation guidelines (Richards et al. 2015 PMID: 25741868, with internal and published modifications).

NM_003742.4(ABCB11):c.3056+3G>A

Gene: ABCB11 (ATP binding cassette subfamily B member 11; minus strand). Cytogenetic location: 2q31.1.
Variant type: single nucleotide variant.
Coding change: c.3056+3G>A on transcript NM_003742.4 (MANE Select); 3 bases into the intron after coding-DNA position 3056, G replaced by A.
Molecular consequence: intron variant.
Genome position (GRCh38, 1-based): chr2:168,935,181, C>T on the plus strand (G>A on the coding strand, the complement: ABCB11 is on the minus strand). VCF-style: chr2-168935181-C-T. GRCh37 (hg19) VCF-style: chr2-169791691-C-T.
Identifiers: ClinVar variation 3046041 (VCV003046041.2), dbSNP rs1691758958, ClinGen allele CA1039026729.
Genomic context (GRCh38, chr2:168,935,181, plus strand): 5'-CAGAACCAGGCTATTCCTTCCTTGTGTGTTGATCTTTTCTCACCTTGGCTAGATATTCCT[C>T]ACCTGAACACATAGCTGAAATGGAGCCCCTCATTGGAGATTAAGTAACCTCCATATCTGT-3'